The following is an entry in ClinVar:

ClinVar aggregate classification (germline): Likely pathogenic (1 of 4 stars; one submission).

Conditions:
Intellectual developmental disorder, autosomal recessive 65. Also called: MENTAL RETARDATION, AUTOSOMAL RECESSIVE 65; Intellectual disability, autosomal recessive 65. Identifiers: MedGen C4748219, MONDO:0020850, OMIM 618109.

Submission:

Laboratorio de Genetica e Diagnostico Molecular, Hospital Israelita Albert Einstein
Classification: Likely pathogenic for Intellectual developmental disorder, autosomal recessive 65. Last evaluated: 2024-11-28. Review status: criteria provided, single submitter. Criteria: ACMG Guidelines, 2015. Collection method: clinical testing. Allele origin: germline. Affected: yes.
Comment: ACMG classification criteria: PVS1 very strong, PM2 supporting

NM_006618.5(KDM5B):c.688C>T (p.Arg230Ter)

Gene: KDM5B (lysine demethylase 5B; minus strand). Cytogenetic location: 1q32.1.
Variant type: single nucleotide variant.
Coding change: c.688C>T on transcript NM_006618.5 (MANE Select); coding-DNA position 688, C replaced by T.
Protein change: p.Arg230Ter; replaces arginine 230 with a stop codon.
Molecular consequence: nonsense. On other transcripts: intron variant (1).
Genome position (GRCh38, 1-based): chr1:202,766,949, G>A on the plus strand (C>T on the coding strand, the complement: KDM5B is on the minus strand). VCF-style: chr1-202766949-G-A. GRCh37 (hg19) VCF-style: chr1-202736077-G-A.
Other names: c.688C>T, p.Arg230Ter (NM_001314042.2); c.673C>T, p.Arg225Ter (NM_001399817.1); c.577-2804C>T (NM_001347591.2); short protein forms R225*, R230*.
Identifiers: ClinVar variation 4056542 (VCV004056542.1).